The following is an entry in ClinVar:

ClinVar aggregate classification (germline): Uncertain significance (1 of 4 stars; one submission).

Conditions:
Developmental and epileptic encephalopathy, 42 (DEE42A). Also called: Epileptic encephalopathy, early infantile, 42; DEVELOPMENTAL AND EPILEPTIC ENCEPHALOPATHY 42A; EPILEPTIC ENCEPHALOPATHY, EARLY INFANTILE, 42A. Identifiers: MedGen C4310716, MONDO:0014917, OMIM 617106.
Episodic ataxia type 2 (EA2). Also called: ACETAZOLAMIDE-RESPONSIVE HEREDITARY PAROXYSMAL CEREBELLAR ATAXIA; ATAXIA, EPISODIC, WITH NYSTAGMUS; ATAXIA, FAMILIAL PAROXYSMAL; CEREBELLAR ATAXIA, PAROXYSMAL, ACETAZOLAMIDE-RESPONSIVE; CEREBELLOPATHY, HEREDITARY PAROXYSMAL; EPISODIC ATAXIA, NYSTAGMUS-ASSOCIATED. Identifiers: Orphanet 97, MedGen C1720416, MONDO:0007163, OMIM 108500.

gnomAD v4.1: 1 of 1,534,574 alleles (0.000065%); highest among the groups gnomAD compares: Non-Finnish European, 0.000088%; no homozygotes.

Submission:

Labcorp Genetics (formerly Invitae), Labcorp
Classification: Uncertain significance for Developmental and epileptic encephalopathy, 42; Episodic ataxia type 2. Last evaluated: 2025-01-19. Review status: criteria provided, single submitter. Criteria: Invitae Variant Classification Sherloc (09022015). Collection method: clinical testing. Allele origin: germline.
Comment: This sequence change replaces proline, which is neutral and non-polar, with leucine, which is neutral and non-polar, at codon 269 of the CACNA1A protein (p.Pro269Leu). This variant is not present in population databases (gnomAD no frequency). This variant has not been reported in the literature in individuals affected with CACNA1A-related conditions. ClinVar contains an entry for this variant (Variation ID: 1002310). Invitae Evidence Modeling of protein sequence and biophysical properties (such as structural, functional, and spatial information, amino acid conservation, physicochemical variation, residue mobility, and thermodynamic stability) has been performed for this missense variant. However, the output from this modeling did not meet the statistical confidence thresholds required to predict the impact of this variant on CACNA1A protein function. In summary, the available evidence is currently insufficient to determine the role of this variant in disease. Therefore, it has been classified as a Variant of Uncertain Significance.

NM_001127222.2(CACNA1A):c.806C>T (p.Pro269Leu)

Gene: CACNA1A (calcium voltage-gated channel subunit alpha1 A; minus strand). Cytogenetic location: 19p13.13.
Variant type: single nucleotide variant.
Coding change: c.806C>T on transcript NM_001127222.2 (MANE Select); coding-DNA position 806, C replaced by T.
Protein change: p.Pro269Leu; replaces proline 269 with leucine.
Molecular consequence: missense variant.
Genome position (GRCh38, 1-based): chr19:13,359,778, G>A on the plus strand (C>T on the coding strand, the complement: CACNA1A is on the minus strand). VCF-style: chr19-13359778-G-A. GRCh37 (hg19) VCF-style: chr19-13470592-G-A.
Other names: c.806C>T, p.Pro269Leu (NM_000068.4, NM_001127221.2, NM_001174080.2 and 1 more transcripts); short protein forms P269L.
Identifiers: ClinVar variation 1002310 (VCV001002310.7), dbSNP rs763911399, ClinGen allele CA305554882.
Genomic context (GRCh38, chr19:13,359,778, plus strand): 5'-GGCTGACATTTGGTCCCATTGGGGCAGGTGCGGGCGGGCTCTTCTGTCCCACATGGAGCC[G>A]GAGACTCACCCTGAATGTCATCTACAAAAGGGAAGGGGAGAAAAGTCAGGGGAAGGAGCA-3'
Protein context (NP_001120694.1, residues 259-279): EGTDDIQGES[Pro269Leu]APCGTEEPAR